The following is an entry in ClinVar:

NM_153700.2(STRC):c.4675C>T (p.Gln1559Ter)

Gene: STRC (stereocilin; minus strand). Cytogenetic location: 15q15.3.
Variant type: single nucleotide variant.
Coding change: c.4675C>T on transcript NM_153700.2 (MANE Select); coding-DNA position 4675, C replaced by T.
Protein change: p.Gln1559Ter; replaces glutamine 1559 with a stop codon.
Molecular consequence: nonsense.
Genome position (GRCh38, 1-based): chr15:43,601,422, G>A on the plus strand (C>T on the coding strand, the complement: STRC is on the minus strand). VCF-style: chr15-43601422-G-A. GRCh37 (hg19) VCF-style: chr15-43893620-G-A.
Other names: short protein forms Q1559*.
Identifiers: ClinVar variation 618401 (VCV000618401.12), dbSNP rs147717802, ClinGen allele CA7527952.

ClinVar aggregate classification (germline): Likely pathogenic. Review status: criteria provided, multiple submitters, no conflicts (2 of 4 stars). 4 submissions from 4 submitters: Likely pathogenic (4). Last evaluated 2026-08-14.

Conditions:
STRC-related disorder. Also called: STRC-related condition.
Autosomal recessive nonsyndromic hearing loss 16. Also called: DFNB16 Nonsyndromic Hearing Loss and Deafness; DEAFNESS, AUTOSOMAL RECESSIVE 16. Identifiers: Orphanet 90636, MedGen C1863561, MONDO:0011364, OMIM 603720.

Allele frequency attached by ClinVar (database versions not stated): gnomAD 0.00005 and 0.00006; ESP Exome Variant Server 0.00008; ExAC 0.00001; gnomAD exomes 0.00001; TOPMed 0.00003.
gnomAD v4.1: 16 of 1,613,596 alleles (0.00099%); highest among the groups gnomAD compares: Admixed American, 0.018%; no homozygotes.

Submissions (4):

PreventionGenetics, part of Exact Sciences
Classification: Likely pathogenic for STRC-related condition. Last evaluated: 2026-08-14. Review status: criteria provided, single submitter. Criteria: ACMG Guidelines, 2015. Collection method: clinical testing. Allele origin: germline.
Comment: The STRC c.4675C>T variant is predicted to result in premature protein termination (p.Gln1559*). To our knowledge, this variant has not been reported in the literature. This variant is reported in 0.0056% of alleles in individuals of Latino descent in gnomAD. Nonsense variants in STRC are expected to be pathogenic. This variant is interpreted as likely pathogenic.

Athena Diagnostics
Classification: Likely pathogenic. Last evaluated: 2018-09-12. Review status: criteria provided, single submitter. Criteria: Athena Diagnostics Criteria. Collection method: clinical testing. Allele origin: germline.
Comment: The variant creates a premature nonsense codon, and is therefore predicted to significantly disrupt the protein structure. The best available variant frequency is uninformative because it is below the disease allele frequency.

ARUP Laboratories, Molecular Genetics and Genomics, ARUP Laboratories
Classification: Likely pathogenic. Last evaluated: 2017-07-11. Review status: criteria provided, single submitter. Criteria: ARUP Molecular Germline Variant Investigation Process. Collection method: clinical testing. Allele origin: germline.
Comment: The c.4675C>T variant (rs147717802) has not been reported in the medical literature, gene specific variation databases, nor has it been previously identified by our laboratory. The c.4675C>T variant creates a termination codon in the STRC protein at codon 1559 in exon 24 out of 29 which is predicted to result in a truncated or absent protein product. This variant is listed in the genome Aggregation Database (gnomAD) with an overall population frequency of 0.001 percent (identified on 3 out of 277,104 chromosomes). Based on these observations, the c.4675C>T has been classified as likely pathogenic.

Genome-Nilou Lab
Classification: Likely pathogenic for Autosomal recessive nonsyndromic hearing loss 16. Review status: criteria provided, single submitter. Criteria: ACMG Guidelines, 2015. Collection method: clinical testing. Allele origin: germline.